The following is an entry in ClinVar:

ClinVar aggregate classification (germline): Uncertain significance (1 of 4 stars; one submission).

Conditions:
TH-deficient dopa-responsive dystonia. Also called: Tyrosine Hydroxylase-Deficient Dopa-Responsive Dystonia; Segawa syndrome, autosomal recessive; DYT-TH. Identifiers: Orphanet 101150, MedGen C2673535, MONDO:0011551, OMIM 605407.

Submission:

Labcorp Genetics (formerly Invitae), Labcorp
Classification: Uncertain significance for TH-deficient dopa-responsive dystonia. Last evaluated: 2022-03-08. Review status: criteria provided, single submitter. Criteria: Invitae Variant Classification Sherloc (09022015). Collection method: clinical testing. Allele origin: germline.
Comment: This sequence change falls in intron 3 of the TH gene. It does not directly change the encoded amino acid sequence of the TH protein. This variant is present in population databases (no rsID available, gnomAD 0.007%). This variant has not been reported in the literature in individuals affected with TH-related conditions. Algorithms developed to predict the effect of sequence changes on RNA splicing suggest that this variant may create or strengthen a splice site. In summary, the available evidence is currently insufficient to determine the role of this variant in disease. Therefore, it has been classified as a Variant of Uncertain Significance.

NM_000360.4(TH):c.286_312+18dup

Gene: TH (tyrosine hydroxylase; minus strand). Cytogenetic location: 11p15.5.
Variant type: Duplication.
Coding change: c.286_312+18dup on transcript NM_000360.4 (MANE Select); coding-DNA position 286 through 18 bases into the intron after coding-DNA position 312, 45 bases duplicated.
Molecular consequence: splice donor variant.
Genome position (GRCh38, 1-based): chr11:2,169,632-2,169,676, 45 bases duplicated; duplicating any 45 consecutive bases within chr11:2,169,632-2,169,678 gives the same sequence; the c. name uses the placement nearest the transcript's 3' end. GRCh37 (hg19): chr11:2,190,864-2,190,908.
Other names: c.367_393+18dup (NM_199293.3); c.379_405+18dup (NM_199292.3).
Identifiers: ClinVar variation 1434602 (VCV001434602.5), dbSNP rs1388275002, ClinGen allele CA597431668.